The following is an entry in ClinVar:

ClinVar aggregate classification (germline): Uncertain significance. Review status: criteria provided, multiple submitters, no conflicts (2 of 4 stars). 3 submissions from 3 submitters: Uncertain significance (3). Last evaluated 2025-06-06.

Conditions:
Cardiovascular phenotype. Identifiers: MedGen CN230736.

Allele frequency attached by ClinVar (database versions not stated): TOPMed 0.00001; gnomAD exomes 0.00002 and 0.00001; ExAC 0.00003; ESP Exome Variant Server 0.00008; gnomAD 0.00005 and 0.00006.

Submissions (3):

Ambry Genetics
Classification: Uncertain significance for Cardiovascular phenotype. Last evaluated: 2025-06-06. Review status: criteria provided, single submitter. Criteria: Ambry Variant Classification Scheme 2023. Collection method: clinical testing. Allele origin: germline.
Comment: The p.R29W variant (also known as c.85C>T), located in coding exon 1 of the TNXB gene, results from a C to T substitution at nucleotide position 85. The arginine at codon 29 is replaced by tryptophan, an amino acid with dissimilar properties. This variant was reported in individual(s) with features consistent with hypermobile Ehlers-Danlos syndrome (EDS) (Zweers MC et al. Clin Genet, 2005 Apr;67:330-4). This amino acid position is well conserved in available vertebrate species. In addition, this alteration is predicted to be deleterious by in silico analysis. Based on the available evidence, the clinical significance of this variant remains unclear.

Women's Health and Genetics/Laboratory Corporation of America, LabCorp
Classification: Uncertain significance. Last evaluated: 2023-07-19. Review status: criteria provided, single submitter. Criteria: LabCorp Variant Classification Summary - May 2015. Collection method: clinical testing. Allele origin: germline.
Comment: Variant summary: TNXB c.85C>T (p.Arg29Trp) results in a non-conservative amino acid change in the encoded protein sequence. Four of five in-silico tools predict a damaging effect of the variant on protein function. The variant allele was found at a frequency of 1.6e-05 in 245612 control chromosomes (gnomAD). The available data on variant occurrences in the general population are insufficient to allow any conclusion about variant significance. c.85C>T has been reported in the literature in an individual affected with Ehlers-Danlos syndrome without strong evidence of causality (Zweers_2005). This report does not provide unequivocal conclusions about association of the variant with Ehlers-Danlos-like syndrome. To our knowledge, no experimental evidence demonstrating an impact on protein function has been reported. The following publication has been ascertained in the context of this evaluation (PMID: 15733269). One submitter has cited a clinical-significance assessment for this variant to ClinVar after 2014 and has classified the variant as uncertain significance. Based on the evidence outlined above, the variant was classified as uncertain significance.

GeneDx
Classification: Uncertain significance. Last evaluated: 2019-05-08. Review status: criteria provided, single submitter. Criteria: GeneDx Variant Classification Process June 2021. Collection method: clinical testing. Allele origin: germline. Affected: yes.
Comment: Reported in a patient with Ehlers-Danlos syndrome, hypermobility type (Zweers et al., 2005); Not observed at a significant frequency in large population cohorts (Lek et al., 2016); In silico analysis, which includes protein predictors and evolutionary conservation, supports a deleterious effect; This variant is associated with the following publications: (PMID: 28344932, 15733269, 20853426)

Literature cited by the submitters: PubMed 15733269 (cited by Ambry Genetics and Women's Health and Genetics/Laboratory Corporation of America, LabCorp).

NM_001365276.2(TNXB):c.85C>T (p.Arg29Trp)

Gene: TNXB (tenascin XB; minus strand). Cytogenetic location: 6p21.33.
Variant type: single nucleotide variant.
Coding change: c.85C>T on transcript NM_001365276.2 (MANE Select); coding-DNA position 85, C replaced by T.
Protein change: p.Arg29Trp; replaces arginine 29 with tryptophan.
Molecular consequence: missense variant.
Genome position (GRCh38, 1-based): chr6:32,098,114, G>A on the plus strand (C>T on the coding strand, the complement: TNXB is on the minus strand). VCF-style: chr6-32098114-G-A. GRCh37 (hg19) VCF-style: chr6-32065891-G-A.
Other names: c.85C>T, p.Arg29Trp (NM_019105.8); short protein forms R29W.
Identifiers: ClinVar variation 1302742 (VCV001302742.4), dbSNP rs368512272, ClinGen allele CA3735914.
Genomic context (GRCh38, chr6:32,098,114, plus strand): 5'-CCACTGTGTGGCCCCCTGGCTGGGGAGGGGGCCGGGGGGCTGGCAGTGTCACATTGGACC[G>A]TGAAGAGAAGGGGCCTGCTCTGGCTGTGCTCAGCAGCACCAGGAGAACCAGGCTGGAGGT-3'
Protein context (NP_001352205.1, residues 19-39): STARAGPFSS[Arg29Trp]SNVTLPAPRP